The following is an entry in ClinVar:

ClinVar aggregate classification (germline): Pathogenic (1 of 4 stars; one submission).

Conditions:
Cutis laxa, X-linked (OHS). Also called: EDS IX; Occipital horn syndrome. Identifiers: Orphanet 198, MedGen C0268353, MONDO:0010572, OMIM 304150.
Menkes kinky-hair syndrome (MNK). Also called: Copper transport disease; Menkes Disease; Classic Menkes Disease. Identifiers: Orphanet 565, MedGen C0022716, MONDO:0010651, OMIM 309400.
X-linked distal spinal muscular atrophy type 3. Also called: SPINAL MUSCULAR ATROPHY, DISTAL, X-LINKED RECESSIVE; ATP7A-Related Distal Motor Neuropathy; NEURONOPATHY, DISTAL HEREDITARY MOTOR, X-LINKED; NEUROPATHY, DISTAL HEREDITARY MOTOR, X-LINKED. Identifiers: Orphanet 139557, MedGen C1845359, MONDO:0010338, OMIM 300489.

Submission:

Labcorp Genetics (formerly Invitae), Labcorp
Classification: Pathogenic for X-linked distal spinal muscular atrophy type 3; Cutis laxa, X-linked; Menkes kinky-hair syndrome. Last evaluated: 2020-05-23. Review status: criteria provided, single submitter. Criteria: Invitae Variant Classification Sherloc (09022015). Collection method: clinical testing. Allele origin: germline.
Comment: Loss-of-function variants in ATP7A are known to be pathogenic (PMID: 11241493, 20652413). This variant has been observed in individual(s) with Menkes disease (PMID: 14635105). This variant is a gross deletion of the genomic region encompassing exon(s) 2-6 of the ATP7A gene, which includes the initiator codon. The 5' end of this event is unknown as it extends beyond the assayed region for this gene and therefore may encompass additional genes. The 3' boundary is likely confined to intron 6 of the ATP7A gene. This is expected to result in an absent or disrupted protein product. For these reasons, this variant has been classified as Pathogenic.

Literature cited by the submitters: PubMed 11241493; PubMed 20652413; PubMed 14635105.

NC_000023.10:g.(?_77227108)_(77258743_?)del

Gene: ATP7A (ATPase copper transporting alpha; plus strand). Cytogenetic location: Xq21.1.
Variant type: Deletion.
Identifiers: ClinVar variation 1073824 (VCV001073824.8).